The following is an entry in ClinVar:

ClinVar aggregate classification (germline): Benign. Review status: criteria provided, multiple submitters, no conflicts (2 of 4 stars). 17 submissions from 14 submitters: Benign (12). 5 of the submissions do not count toward it. Last evaluated 2026-02-03.

Conditions:
Arthrogryposis multiplex congenita 3, myogenic type. Also called: ARTHROGRYPOSIS MULTIPLEX CONGENITA, MYOGENIC TYPE. Identifiers: MedGen C5193121, MONDO:0032778, OMIM 618484.
Emery-Dreifuss muscular dystrophy 4, autosomal dominant (EDMD4). Also called: EMERY-DREIFUSS MUSCULAR DYSTROPHY 4 WITH VARIABLE FEATURES. Identifiers: Orphanet 261, MedGen C2751807, MONDO:0013071, OMIM 612998.
Autosomal recessive ataxia, Beauce type. Also called: SYNE1 Deficiency; Spinocerebellar ataxia, autosomal recessive 8; ATAXIA, RECESSIVE, OF BEAUCE; SYNE1-Related Autosomal Recessive Cerebellar Ataxia. Identifiers: Orphanet 88644, MedGen C1853116, MONDO:0012549, OMIM 610743.

Allele frequency attached by ClinVar (database versions not stated): gnomAD exomes 0.43454 and 0.46916; ExAC 0.48115; gnomAD 0.52364 and 0.52553; ESP Exome Variant Server 0.53252; TOPMed 0.53615; 1000 Genomes Project 0.60723; 1000 Genomes Project 30x 0.60743.
gnomAD v4.1: 717,008 of 1,613,752 alleles (44%); highest among the groups gnomAD compares: East Asian, 78%; 167,640 homozygotes.

Submissions (17):

Labcorp Genetics (formerly Invitae), Labcorp
Classification: Benign for Emery-Dreifuss muscular dystrophy 4, autosomal dominant; Autosomal recessive ataxia, Beauce type. Last evaluated: 2026-02-03. Review status: criteria provided, single submitter. Criteria: Invitae Variant Classification Sherloc (09022015). Collection method: clinical testing. Allele origin: germline.

Blueprint Genetics
Classification: Benign. Last evaluated: 2024-11-27. Review status: criteria provided, single submitter. Criteria: ACMG Guidelines, 2015. Collection method: clinical testing. Allele origin: germline.

Genome-Nilou Lab
Classification: Benign for Arthrogryposis multiplex congenita 3, myogenic type. Last evaluated: 2021-07-15. Review status: criteria provided, single submitter. Criteria: ACMG Guidelines, 2015. Collection method: clinical testing. Allele origin: germline. Affected: no.

Genome-Nilou Lab
Classification: Benign for Emery-Dreifuss muscular dystrophy 4, autosomal dominant. Last evaluated: 2021-07-15. Review status: criteria provided, single submitter. Criteria: ACMG Guidelines, 2015. Collection method: clinical testing. Allele origin: germline. Affected: no.

Genome-Nilou Lab
Classification: Benign for Autosomal recessive ataxia, Beauce type. Last evaluated: 2021-07-15. Review status: criteria provided, single submitter. Criteria: ACMG Guidelines, 2015. Collection method: clinical testing. Allele origin: germline. Affected: no.

Mendelics
Classification: Benign for Autosomal recessive ataxia, Beauce type. Last evaluated: 2019-05-28. Review status: criteria provided, single submitter. Criteria: Mendelics Assertion Criteria 2017. Collection method: clinical testing. Allele origin: unknown.

Athena Diagnostics
Classification: Benign. Last evaluated: 2018-11-02. Review status: criteria provided, single submitter. Criteria: Athena Diagnostics Criteria. Collection method: clinical testing. Allele origin: germline.

Illumina Laboratory Services, Illumina
Classification: Benign for Autosomal recessive ataxia, Beauce type. Last evaluated: 2018-01-12. Review status: criteria provided, single submitter. Criteria: ICSL Variant Classification Criteria 13 December 2019. Collection method: clinical testing. Allele origin: germline.
Comment: This variant was observed in the ICSL laboratory as part of a predisposition screen in an ostensibly healthy population. It had not been previously curated by ICSL or reported in the Human Gene Mutation Database (HGMD: prior to June 1st, 2018), and was therefore a candidate for classification through an automated scoring system. Utilizing variant allele frequency, disease prevalence and penetrance estimates, and inheritance mode, an automated score was calculated to assess if this variant is too frequent to cause the disease. Based on the score and internal cut-off values, a variant classified as benign is not then subjected to further curation. The score for this variant resulted in a classification of benign for this disease.

Illumina Laboratory Services, Illumina
Classification: Benign for Emery-Dreifuss muscular dystrophy 4, autosomal dominant. Last evaluated: 2018-01-12. Review status: criteria provided, single submitter. Criteria: ICSL Variant Classification Criteria 13 December 2019. Collection method: clinical testing. Allele origin: germline.
Comment: the same text as in the submission from Illumina Laboratory Services, Illumina above.

Mayo Clinic Laboratories, Mayo Clinic
Classification: Benign. Last evaluated: 2017-07-24. Review status: criteria provided, single submitter. Criteria: ACMG Guidelines, 2015. Collection method: clinical testing. Allele origin: germline. Observed: 779 variant alleles.

GeneDx
Classification: Benign. Last evaluated: 2016-01-25. Review status: criteria provided, single submitter. Criteria: GeneDx Variant Classification (06012015). Collection method: clinical testing. Allele origin: germline. Affected: yes.
Comment: This variant is considered likely benign or benign based on one or more of the following criteria: it is a conservative change, it occurs at a poorly conserved position in the protein, it is predicted to be benign by multiple in silico algorithms, and/or has population frequency not consistent with disease.

PreventionGenetics, part of Exact Sciences
Classification: Benign. Review status: criteria provided, single submitter. Criteria: ACMG Guidelines, 2015. Collection method: clinical testing. Allele origin: germline.

Clinical Genetics DNA and cytogenetics Diagnostics Lab, Erasmus MC, Erasmus Medical Center
Classification: Benign. Review status: no assertion criteria provided. Collection method: clinical testing. Allele origin: germline. Affected: yes. Study: VKGL Data-share Consensus. Not counted in ClinVar's aggregate classification.

Clinical Genetics, Academic Medical Center
Classification: Benign. Review status: no assertion criteria provided. Collection method: clinical testing. Allele origin: germline. Affected: yes. Study: VKGL Data-share Consensus. Not counted in ClinVar's aggregate classification.

Diagnostic Laboratory, Department of Genetics, University Medical Center Groningen
Classification: Benign. Review status: no assertion criteria provided. Collection method: clinical testing. Allele origin: germline. Affected: yes. Study: VKGL Data-share Consensus. Not counted in ClinVar's aggregate classification.

Genetic Services Laboratory, University of Chicago
Classification: Likely benign for AllHighlyPenetrant. Review status: no assertion criteria provided. Collection method: clinical testing. Allele origin: germline. Inheritance: Autosomal dominant inheritance. Not counted in ClinVar's aggregate classification.
Comment: Likely benign based on allele frequency in 1000 Genomes Project or ESP global frequency and its presence in a patient with a rare or unrelated disease phenotype. NOT Sanger confirmed.

Joint Genome Diagnostic Labs from Nijmegen and Maastricht, Radboudumc and MUMC+
Classification: Benign. Review status: no assertion criteria provided. Collection method: clinical testing. Allele origin: germline. Affected: yes. Study: VKGL Data-share Consensus. Not counted in ClinVar's aggregate classification.

NM_182961.4(SYNE1):c.3104T>C (p.Val1035Ala)

Gene: SYNE1 (spectrin repeat containing nuclear envelope protein 1; minus strand). Cytogenetic location: 6q25.2.
Variant type: single nucleotide variant.
Coding change: c.3104T>C on transcript NM_182961.4 (MANE Select); coding-DNA position 3104, T replaced by C.
Protein change: p.Val1035Ala; replaces valine 1035 with alanine.
Molecular consequence: missense variant.
Genome position (GRCh38, 1-based): chr6:152,451,129, A>G on the plus strand (T>C on the coding strand, the complement: SYNE1 is on the minus strand). VCF-style: chr6-152451129-A-G. GRCh37 (hg19) VCF-style: chr6-152772264-A-G.
Other names: p.Val1042Ala; c.3125T>C, p.Val1042Ala (NM_033071.5); short protein forms V1035A, V1042A.
Identifiers: ClinVar variation 130438 (VCV000130438.32), dbSNP rs214976, ClinGen allele CA155458.